The following is an entry in ClinVar:

NM_017934.7(PHIP):c.4074C>T (p.Asp1358=)

Genes: IRAK1BP1 (interleukin 1 receptor associated kinase 1 binding protein 1; plus strand), PHIP (PHIP subunit of CUL4-Ring ligase complex; minus strand). Cytogenetic location: 6q14.1.
Variant type: single nucleotide variant.
Coding change: c.4074C>T on transcript NM_017934.7 (MANE Select); coding-DNA position 4074, C replaced by T.
Protein change: p.Asp1358=; no amino-acid change (aspartic acid 1358 retained).
Molecular consequence: synonymous variant.
Genome position (GRCh38, 1-based): chr6:78,947,755, G>A on the plus strand (C>T on the coding strand, the complement: PHIP is on the minus strand). VCF-style: chr6-78947755-G-A. GRCh37 (hg19) VCF-style: chr6-79657472-G-A.
Identifiers: ClinVar variation 3060215 (VCV003060215.2), dbSNP rs1195436459, ClinGen allele CA451013912.

ClinVar aggregate classification (germline): Likely benign (0 of 4 stars; one submission).

Conditions:
PHIP-related disorder. Also called: PHIP-related disorders; PHIP-related condition.

Allele frequency attached by ClinVar (database versions not stated): gnomAD exomes below 0.00001.
gnomAD v4.1: 5 of 1,608,430 alleles (0.00031%); highest among the groups gnomAD compares: Non-Finnish European, 0.00043%; no homozygotes.

Submission:

PreventionGenetics, part of Exact Sciences
Classification: Likely benign for PHIP-related condition. Last evaluated: 2023-12-07. Review status: no assertion criteria provided. Collection method: clinical testing. Allele origin: germline.
Comment: This variant is classified as likely benign based on ACMG/AMP sequence variant interpretation guidelines (Richards et al. 2015 PMID: 25741868, with internal and published modifications).